The following is an entry in ClinVar:

ClinVar aggregate classification (germline): Uncertain significance. Review status: criteria provided, multiple submitters, no conflicts (2 of 4 stars). 2 submissions from 2 submitters: Uncertain significance (2). Last evaluated 2022-11-07.

Conditions:
Familial hemophagocytic lymphohistiocytosis 5. Also called: STXBP2-Related Familial Hemophagocytic Lymphohistiocytosis (STXBP2-fHLH). Identifiers: Orphanet 540, MedGen C2751293, MONDO:0013135, OMIM 613101.
Inborn genetic diseases. Identifiers: MedGen C0950123, MeSH D030342.

Allele frequency attached by ClinVar (database versions not stated): gnomAD exomes 0.00002; gnomAD 0.00003 and 0.00004; TOPMed 0.00003; ExAC 0.00004.
gnomAD v4.1: 37 of 1,613,602 alleles (0.0023%); highest among the groups gnomAD compares: Non-Finnish European, 0.0027%; no homozygotes.

Submissions (2):

Ambry Genetics
Classification: Uncertain significance for Inborn genetic diseases. Last evaluated: 2022-11-07. Review status: criteria provided, single submitter. Criteria: Ambry Variant Classification Scheme 2023. Collection method: clinical testing. Allele origin: germline.

Labcorp Genetics (formerly Invitae), Labcorp
Classification: Uncertain significance for Familial hemophagocytic lymphohistiocytosis 5. Last evaluated: 2022-10-19. Review status: criteria provided, single submitter. Criteria: Invitae Variant Classification Sherloc (09022015). Collection method: clinical testing. Allele origin: germline.
Comment: This sequence change replaces aspartic acid, which is acidic and polar, with glycine, which is neutral and non-polar, at codon 395 of the STXBP2 protein (p.Asp395Gly). This variant is present in population databases (rs751931943, gnomAD 0.005%). This variant has not been reported in the literature in individuals affected with STXBP2-related conditions. ClinVar contains an entry for this variant (Variation ID: 1006703). Advanced modeling of protein sequence and biophysical properties (such as structural, functional, and spatial information, amino acid conservation, physicochemical variation, residue mobility, and thermodynamic stability) performed at Invitae indicates that this missense variant is not expected to disrupt STXBP2 protein function. In summary, the available evidence is currently insufficient to determine the role of this variant in disease. Therefore, it has been classified as a Variant of Uncertain Significance.

NM_006949.4(STXBP2):c.1184A>G (p.Asp395Gly)

Gene: STXBP2 (syntaxin binding protein 2; plus strand). Cytogenetic location: 19p13.2.
Variant type: single nucleotide variant.
Coding change: c.1184A>G on transcript NM_006949.4 (MANE Select); coding-DNA position 1184, A replaced by G.
Protein change: p.Asp395Gly; replaces aspartic acid 395 with glycine.
Molecular consequence: missense variant. On other transcripts: non-coding transcript variant (1).
Genome position (GRCh38, 1-based): chr19:7,644,690, A>G. VCF-style: chr19-7644690-A-G. GRCh37 (hg19) VCF-style: chr19-7709576-A-G.
Other names: c.1184A>G (NM_006949.2); c.1175A>G, p.Asp392Gly (NM_001127396.3); c.1217A>G, p.Asp406Gly (NM_001272034.2); short protein forms D392G, D395G, D406G.
Identifiers: ClinVar variation 1006703 (VCV001006703.7), dbSNP rs751931943, ClinGen allele CA9144017.